The following is an entry in ClinVar:

ClinVar aggregate classification (germline): Uncertain significance. Review status: criteria provided, multiple submitters, no conflicts (2 of 4 stars). 5 submissions from 5 submitters: Uncertain significance (4). 1 of the submissions does not count toward it. Last evaluated 2025-07-21.

Conditions:
Hereditary cancer-predisposing syndrome. Also called: Tumor predisposition; Hereditary Cancer Syndrome; Neoplastic Syndromes, Hereditary; Hereditary neoplastic syndrome. Identifiers: Orphanet 140162, MedGen C0027672, MeSH D009386, MONDO:0015356.
Hereditary breast ovarian cancer syndrome. Also called: Hereditary breast and ovarian cancer; Breast and ovarian cancer; Hereditary breast and/or ovarian cancer syndrome; Hereditary breast and ovarian cancer syndrome; BRCA1- and BRCA2-Associated Hereditary Breast and Ovarian Cancer; Hereditary breast and ovarian cancer syndrome (HBOC). Identifiers: Orphanet 145, MedGen C0677776, MeSH D061325, MONDO:0003582. Disease mechanism: loss of function.
Familial cancer of breast. Also called: BREAST CANCER, FAMILIAL; Hereditary breast cancer; hereditary breast carcinoma. Identifiers: Orphanet 227535, MedGen C0346153, MONDO:0016419, OMIM 114480. Disease mechanism: loss of function.

Allele frequency attached by ClinVar (database versions not stated): gnomAD exomes below 0.00001.
gnomAD v4.1: 2 of 1,569,020 alleles (0.00013%); highest among the groups gnomAD compares: East Asian, 0.0045%; no homozygotes.

Submissions (5):

Labcorp Genetics (formerly Invitae), Labcorp
Classification: Uncertain significance for Hereditary breast ovarian cancer syndrome. Last evaluated: 2025-07-21. Review status: criteria provided, single submitter. Criteria: Invitae Variant Classification Sherloc (09022015). Collection method: clinical testing. Allele origin: germline.
Comment: This sequence change replaces arginine, which is basic and polar, with threonine, which is neutral and polar, at codon 107 of the BRCA2 protein (p.Arg107Thr). This variant is present in population databases (no rsID available, gnomAD 0.006%). This missense change has been observed in individual(s) with breast cancer and/or ovarian cancer (PMID: 28664506, 35918668). ClinVar contains an entry for this variant (Variation ID: 823201). Invitae Evidence Modeling of protein sequence and biophysical properties (such as structural, functional, and spatial information, amino acid conservation, physicochemical variation, residue mobility, and thermodynamic stability) indicates that this missense variant is not expected to disrupt BRCA2 protein function with a negative predictive value of 95%. In summary, the available evidence is currently insufficient to determine the role of this variant in disease. Therefore, it has been classified as a Variant of Uncertain Significance.

Color Diagnostics, LLC DBA Color Health
Classification: Uncertain significance for Hereditary cancer-predisposing syndrome. Last evaluated: 2025-07-10. Review status: criteria provided, single submitter. Criteria: ACMG Guidelines, 2015. Collection method: clinical testing. Allele origin: germline.
Comment: This missense variant replaces arginine with threonine at codon 107 of the BRCA2 protein. Computational prediction suggests that this variant may not impact protein structure and function. To our knowledge, functional studies have not been reported for this variant. This variant has been reported in an individual affected with breast cancer (PMID: 28664506). This variant has been identified in 1/250432 chromosomes in the general population by the Genome Aggregation Database (gnomAD). The available evidence is insufficient to determine the role of this variant in disease conclusively. Therefore, this variant is classified as a Variant of Uncertain Significance.

Baylor Genetics
Classification: Uncertain significance for Familial cancer of breast. Last evaluated: 2023-05-18. Review status: criteria provided, single submitter. Criteria: ACMG Guidelines, 2015. Collection method: clinical testing. Allele origin: unknown.

Ambry Genetics
Classification: Uncertain significance for Hereditary cancer-predisposing syndrome. Last evaluated: 2023-02-23. Review status: criteria provided, single submitter. Criteria: Ambry Variant Classification Scheme 2023. Collection method: clinical testing. Allele origin: germline.
Comment: The p.R107T variant (also known as c.320G>C), located in coding exon 3 of the BRCA2 gene, results from a G to C substitution at nucleotide position 320. This variant was identified in 1 of 467 Malaysian breast cancer patients (Yang XR et al. Breast Cancer Res. Treat., 2017 Oct;165:687-697).The arginine at codon 107 is replaced by threonine, an amino acid with similar properties. This amino acid position is poorly conserved in available vertebrate species. In addition, this alteration is predicted to be tolerated by in silico analysis. Since supporting evidence is limited at this time, the clinical significance of this alteration remains unclear.

Center for Precision Medicine, Meizhou People's Hospital
Classification: Uncertain significance for Familial cancer of breast. Review status: no assertion criteria provided. Collection method: literature only. Allele origin: germline. Affected: yes. Not counted in ClinVar's aggregate classification.

Literature cited by the submitters: PubMed 28664506 (cited by 4 submitters); PubMed 35918668 (cited by Labcorp Genetics (formerly Invitae), Labcorp).

NM_000059.4(BRCA2):c.320G>C (p.Arg107Thr)

Gene: BRCA2 (BRCA2 DNA repair associated; plus strand). Cytogenetic location: 13q13.1.
Variant type: single nucleotide variant.
Coding change: c.320G>C on transcript NM_000059.4 (MANE Select); coding-DNA position 320, G replaced by C.
Protein change: p.Arg107Thr; replaces arginine 107 with threonine.
Molecular consequence: missense variant.
Genome position (GRCh38, 1-based): chr13:32,325,079, G>C. VCF-style: chr13-32325079-G-C. GRCh37 (hg19) VCF-style: chr13-32899216-G-C.
Other names: short protein forms R107T.
Identifiers: ClinVar variation 823201 (VCV000823201.17), dbSNP rs1172322930, ClinGen allele CA387756486.
Genomic context (GRCh38, chr13:32,325,079, plus strand): 5'-ATGCAAATTTATAATCCAGAGTATATACATTCTCACTGAATTATTGTACTGTTTCAGGAA[G>C]GAATGTTCCCAATAGTAGACATAAAAGTCTTCGCACAGTGAAAACTAAAATGGATCAAGC-3'
Protein context (NP_000050.3, residues 97-117): ELDKFKLDLG[Arg107Thr]NVPNSRHKSL